The following is an entry in ClinVar:

NM_004006.3(DMD):c.7491G>C (p.Arg2497Ser)

Gene: DMD (dystrophin; minus strand). Cytogenetic location: Xp21.1.
Variant type: single nucleotide variant.
Coding change: c.7491G>C on transcript NM_004006.3 (MANE Select); coding-DNA position 7491, G replaced by C.
Protein change: p.Arg2497Ser; replaces arginine 2497 with serine.
Molecular consequence: missense variant.
Genome position (GRCh38, 1-based): chrX:31,774,011, C>G on the plus strand (G>C on the coding strand, the complement: DMD is on the minus strand). VCF-style: chrX-31774011-C-G. GRCh37 (hg19) VCF-style: chrX-31792128-C-G.
Other names: c.7467G>C, p.Arg2489Ser (NM_000109.4); c.7479G>C, p.Arg2493Ser (NM_004009.3); c.7122G>C, p.Arg2374Ser (NM_004010.3); c.3468G>C, p.Arg1156Ser (NM_004011.4); c.3459G>C, p.Arg1153Ser (NM_004012.4); c.111G>C, p.Arg37Ser (NM_004013.3, NM_004020.4, NM_004021.3 and 2 more transcripts); short protein forms R1153S, R2493S, R2374S, R2489S, R37S, R1156S, R2497S.
Identifiers: ClinVar variation 2826985 (VCV002826985.3), dbSNP rs2149244727, ClinGen allele CA412658804.
Genomic context (GRCh38, chrX:31,774,011, plus strand): 5'-TTCTCATACCTTCTGCTTGATGATCATCTCGTTGATATCCTCAAGGTCACCCACCATCAC[C>G]CTCTGTGATTTTATAACTTGATCAAGCAGAGAAAGCCAGTCGGTAAGTTCTGTCCAAGCC-3'
Protein context (NP_003997.2, residues 2487-2507): SLLDQVIKSQ[Arg2497Ser]VMVGDLEDIN

ClinVar aggregate classification (germline): Uncertain significance (1 of 4 stars; one submission).

Conditions:
Duchenne muscular dystrophy (DMD). Also called: MUSCULAR DYSTROPHY, PSEUDOHYPERTROPHIC PROGRESSIVE, DUCHENNE TYPE; Duchenne Muscular Dystrophy (DMD). Identifiers: Orphanet 98896, MedGen C0013264, MONDO:0010679, OMIM 310200.

Submission:

Labcorp Genetics (formerly Invitae), Labcorp
Classification: Uncertain significance for Duchenne muscular dystrophy. Last evaluated: 2023-01-08. Review status: criteria provided, single submitter. Criteria: Invitae Variant Classification Sherloc (09022015). Collection method: clinical testing. Allele origin: germline.
Comment: This sequence change replaces arginine, which is basic and polar, with serine, which is neutral and polar, at codon 2497 of the DMD protein (p.Arg2497Ser). This variant is not present in population databases (gnomAD no frequency). This variant has not been reported in the literature in individuals affected with DMD-related conditions. Advanced modeling of protein sequence and biophysical properties (such as structural, functional, and spatial information, amino acid conservation, physicochemical variation, residue mobility, and thermodynamic stability) performed at Invitae indicates that this missense variant is not expected to disrupt DMD protein function. In summary, the available evidence is currently insufficient to determine the role of this variant in disease. Therefore, it has been classified as a Variant of Uncertain Significance.